The following is an entry in ClinVar:

NM_000170.3(GLDC):c.2052+1G>A

Gene: GLDC (glycine decarboxylase; minus strand). Cytogenetic location: 9p24.1.
Variant type: single nucleotide variant.
Coding change: c.2052+1G>A on transcript NM_000170.3 (MANE Select); the canonical splice donor site of the intron after coding-DNA position 2052, G replaced by A.
Molecular consequence: splice donor variant.
Genome position (GRCh38, 1-based): chr9:6,558,558, C>T on the plus strand (G>A on the coding strand, the complement: GLDC is on the minus strand). VCF-style: chr9-6558558-C-T. GRCh37 (hg19) VCF-style: chr9-6558558-C-T.
Identifiers: ClinVar variation 813467 (VCV000813467.10), dbSNP rs765906340, ClinGen allele CA4980430.

ClinVar aggregate classification (germline): Likely pathogenic. Review status: criteria provided, single submitter (1 of 4 stars). 2 submissions from 2 submitters: Likely pathogenic (1). 1 of the submissions does not count toward it. Last evaluated 2019-09-27.

Conditions:
Glycine encephalopathy. Also called: Non-ketotic hyperglycinemia; Nonketotic hyperglycinemia. Identifiers: Orphanet 407, MedGen C0751748, MONDO:0011612, HP:0008288.

Allele frequency attached by ClinVar (database versions not stated): gnomAD exomes below 0.00001; ExAC 0.00001.
gnomAD v4.1: 1 of 1,614,204 alleles (0.000062%); highest among the groups gnomAD compares: Non-Finnish European, 0.000085%; no homozygotes.

Submissions (2):

Labcorp Genetics (formerly Invitae), Labcorp
Classification: Likely pathogenic for Glycine encephalopathy. Last evaluated: 2019-09-27. Review status: criteria provided, single submitter. Criteria: Invitae Variant Classification Sherloc (09022015). Collection method: clinical testing. Allele origin: germline.
Comment: This variant has not been reported in the literature in individuals with GLDC-related conditions. In summary, the currently available evidence indicates that the variant is pathogenic, but additional data are needed to prove that conclusively. Therefore, this variant has been classified as Likely Pathogenic. Donor and acceptor splice site variants typically lead to a loss of protein function (PMID: 16199547), and loss-of-function variants in GLDC are known to be pathogenic (PMID: 16601880). Algorithms developed to predict the effect of sequence changes on RNA splicing suggest that this variant may disrupt the consensus splice site, but this prediction has not been confirmed by published transcriptional studies. This variant is present in population databases (rs765906340, ExAC 0.001%). This sequence change affects a donor splice site in intron 17 of the GLDC gene. It is expected to disrupt RNA splicing and likely results in an absent or disrupted protein product.

Baylor Genetics
Classification: Likely pathogenic for Glycine encephalopathy 1. Review status: no assertion criteria provided. Collection method: clinical testing. Allele origin: unknown. Not counted in ClinVar's aggregate classification.

Literature cited by the submitters: PubMed 16199547 (cited by Labcorp Genetics (formerly Invitae), Labcorp); PubMed 16601880 (cited by Labcorp Genetics (formerly Invitae), Labcorp).